The following is an entry in ClinVar:

ClinVar aggregate classification (germline): Uncertain significance (1 of 4 stars; one submission).

Allele frequency attached by ClinVar (database versions not stated): gnomAD exomes below 0.00001.
gnomAD v4.1: 3 of 1,613,922 alleles (0.00019%); no homozygotes.

Submission:

GeneDx
Classification: Uncertain significance. Last evaluated: 2017-03-02. Review status: criteria provided, single submitter. Criteria: GeneDx Variant Classification (06012015). Collection method: clinical testing. Allele origin: germline. Affected: yes.
Comment: A variant of uncertain significance has been identified in the SCN8A gene. The V1900A variant has not been published as a pathogenic variant, nor has it been reported as a benign variant to our knowledge. The V1900A variant is not observed in large population cohorts (Lek et al., 2016; 1000 Genomes Consortium et al., 2015; Exome Variant Server). This substitution occurs at a position that is conserved in mammals predicted to be within the C-terminal cytoplasmic domain. However, the V1900A variant is a conservative amino acid substitution, which is not likely to impact secondary protein structure as these residues share similar properties. In silico analysis is inconsistent in its predictions as to whether or not the variant is damaging to the protein structure/function. Therefore, based on the currently available information, it is unclear whether this variant is a pathogenic variant or a rare benign variant.

NM_001330260.2(SCN8A):c.5699T>C (p.Val1900Ala)

Gene: SCN8A (sodium voltage-gated channel alpha subunit 8; plus strand). Cytogenetic location: 12q13.13.
Variant type: single nucleotide variant.
Coding change: c.5699T>C on transcript NM_001330260.2 (MANE Select); coding-DNA position 5699, T replaced by C.
Protein change: p.Val1900Ala; replaces valine 1900 with alanine.
Molecular consequence: missense variant.
Genome position (GRCh38, 1-based): chr12:51,807,185, T>C. VCF-style: chr12-51807185-T-C. GRCh37 (hg19) VCF-style: chr12-52200969-T-C.
Other names: c.5576T>C, p.Val1859Ala (NM_001177984.3, NM_001369788.1); c.5699T>C, p.Val1900Ala (NM_014191.4); short protein forms V1900A, V1859A.
Identifiers: ClinVar variation 423909 (VCV000423909.2), dbSNP rs1064796694, ClinGen allele CA16619567.
Genomic context (GRCh38, chr12:51,807,185, plus strand): 5'-AAGTGTCTTACGAGCCAATCACAACCACACTGCGTCGCAAGCAGGAGGAGGTATCTGCAG[T>C]GGTCCTGCAGCGTGCCTACCGGGGACATTTGGCAAGGCGGGGCTTCATCTGCAAAAAGAC-3'
Protein context (NP_001317189.1, residues 1890-1910): LRRKQEEVSA[Val1900Ala]VLQRAYRGHL